The following is an entry in ClinVar:

ClinVar aggregate classification (germline): Uncertain significance. Review status: criteria provided, multiple submitters, no conflicts (2 of 4 stars). 2 submissions from 2 submitters: Uncertain significance (2). Last evaluated 2025-04-01.

gnomAD v4.1: 5 of 1,604,732 alleles (0.00031%); highest among the groups gnomAD compares: African/African-American, 0.0067%; no homozygotes.

Submissions (2):

Ambry Genetics
Classification: Uncertain significance. Last evaluated: 2025-04-01. Review status: criteria provided, single submitter. Criteria: Ambry Variant Classification Scheme 2023. Collection method: clinical testing. Allele origin: germline.

Labcorp Genetics (formerly Invitae), Labcorp
Classification: Uncertain significance. Last evaluated: 2024-02-02. Review status: criteria provided, single submitter. Criteria: Invitae Variant Classification Sherloc (09022015). Collection method: clinical testing. Allele origin: germline.
Comment: This sequence change replaces threonine, which is neutral and polar, with alanine, which is neutral and non-polar, at codon 976 of the SUCO protein (p.Thr976Ala). This variant is present in population databases (rs200232407, gnomAD 0.007%). This variant has not been reported in the literature in individuals affected with SUCO-related conditions. An algorithm developed to predict the effect of missense changes on protein structure and function (PolyPhen-2) suggests that this variant is likely to be disruptive. In summary, the available evidence is currently insufficient to determine the role of this variant in disease. Therefore, it has been classified as a Variant of Uncertain Significance.

NM_014283.5(SUCO):c.2926A>G (p.Thr976Ala)

Gene: SUCO (SUN domain containing ossification factor; plus strand). Cytogenetic location: 1q24.3.
Variant type: single nucleotide variant.
Coding change: c.2926A>G on transcript NM_014283.5 (MANE Select); coding-DNA position 2926, A replaced by G.
Protein change: p.Thr976Ala; replaces threonine 976 with alanine.
Molecular consequence: missense variant.
Genome position (GRCh38, 1-based): chr1:172,600,076, A>G. VCF-style: chr1-172600076-A-G. GRCh37 (hg19) VCF-style: chr1-172569216-A-G.
Other names: c.2926A>G (NM_014283.3); c.1813A>G, p.Thr605Ala (NM_001282750.2); c.1237A>G, p.Thr413Ala (NM_001282751.2); c.3379A>G, p.Thr1127Ala (NM_016227.4); short protein forms T413A, T1127A, T605A, T976A.
Identifiers: ClinVar variation 3705308 (VCV003705308.3).